The following is an entry in ClinVar:

NM_001353345.2(SETD1B):c.22C>A (p.His8Asn)

Gene: SETD1B (SET domain containing 1B, histone lysine methyltransferase; plus strand). Cytogenetic location: 12q24.31.
Variant type: single nucleotide variant.
Coding change: c.22C>A on transcript NM_001353345.2 (MANE Select); coding-DNA position 22, C replaced by A.
Protein change: p.His8Asn; replaces histidine 8 with asparagine.
Molecular consequence: missense variant.
Genome position (GRCh38, 1-based): chr12:121,804,759, C>A. VCF-style: chr12-121804759-C-A. GRCh37 (hg19) VCF-style: chr12-122242665-C-A.
Other names: short protein forms H8N.
Identifiers: ClinVar variation 3768097 (VCV003768097.1).

ClinVar aggregate classification (germline): Uncertain significance (1 of 4 stars; one submission).

gnomAD v4.1: 12 of 1,546,644 alleles (0.00078%); highest among the groups gnomAD compares: Admixed American, 0.012%; 1 homozygote.

Submission:

Women's Health and Genetics/Laboratory Corporation of America, LabCorp
Classification: Uncertain significance. Last evaluated: 2024-12-12. Review status: criteria provided, single submitter. Criteria: LabCorp Variant Classification Summary - May 2015. Collection method: clinical testing. Allele origin: germline.
Comment: Variant summary: SETD1B c.22C>A (p.His8Asn) results in a conservative amino acid change in the encoded protein sequence. Five of five in-silico tools predict a benign effect of the variant on protein function. The variant allele was found at a frequency of 4e-05 in 151156 control chromosomes. The available data on variant occurrences in the general population are insufficient to allow any conclusion about variant significance. To our knowledge, no occurrence of c.22C>A in individuals affected with SETD1B-related conditions and no experimental evidence demonstrating its impact on protein function have been reported. No submitters have cited clinical-significance assessments for this variant to ClinVar. Based on the evidence outlined above, the variant was classified as uncertain significance.